The following is an entry in ClinVar:

NM_022124.6(CDH23):c.1152C>A (p.Ser384Arg)

Gene: CDH23 (cadherin related 23; plus strand). Cytogenetic location: 10q22.1.
Variant type: single nucleotide variant.
Coding change: c.1152C>A on transcript NM_022124.6 (MANE Select); coding-DNA position 1152, C replaced by A.
Protein change: p.Ser384Arg; replaces serine 384 with arginine.
Molecular consequence: missense variant.
Genome position (GRCh38, 1-based): chr10:71,645,842, C>A. VCF-style: chr10-71645842-C-A. GRCh37 (hg19) VCF-style: chr10-73405599-C-A.
Other names: p.Ser384Arg; c.1152C>A, p.Ser384Arg (NM_001171930.2, NM_001171931.2, NM_052836.4); short protein forms S384R.
Identifiers: ClinVar variation 2501245 (VCV002501245.9), dbSNP rs2493815701, ClinGen allele CA377127412.

ClinVar aggregate classification (germline): Pathogenic/Likely pathogenic. Review status: criteria provided, multiple submitters, no conflicts (2 of 4 stars). 7 submissions from 7 submitters: Pathogenic (3); Likely pathogenic (4). Last evaluated 2024-06-27.

Conditions:
Usher syndrome type 1 (USH1). Also called: RETINITIS PIGMENTOSA AND CONGENITAL DEAFNESS. Identifiers: Orphanet 231169, Orphanet 886, MedGen C1568247, MONDO:0010168, OMIM 276900.
Pituitary adenoma 5, multiple types. Identifiers: MedGen C4539685, MONDO:0054601, OMIM 617540.
Usher syndrome. Also called: Usher Syndromes; Usher's syndrome. Identifiers: Orphanet 886, MedGen CN469326, MeSH D052245, MONDO:0019501. Disease mechanism: loss of function.
Autosomal recessive nonsyndromic hearing loss 12. Also called: DEAFNESS, AUTOSOMAL RECESSIVE 12. Identifiers: Orphanet 90636, MedGen C1832394, MONDO:0011067, OMIM 601386.
Usher syndrome type 1D (USH1D). Also called: USHER SYNDROME, TYPE ID. Identifiers: Orphanet 231169, Orphanet 886, MedGen C1832845, MONDO:0010984, OMIM 601067.
CDH23-related disorder. Also called: CDH23-related condition; CDH23-related disorders.

Allele frequency attached by ClinVar (database versions not stated): gnomAD exomes below 0.00001.
gnomAD v4.1: 2 of 1,610,868 alleles (0.00012%); highest among the groups gnomAD compares: Middle Eastern, 0.017%; no homozygotes.

Submissions (7):

Natera, Inc.
Classification: Likely pathogenic for Usher syndrome type 1. Last evaluated: 2024-06-27. Review status: criteria provided, single submitter. Criteria: Natera Variant Classification Schema (03/2026). Collection method: clinical testing. Allele origin: germline.
Comment: The c.1152C>A variant in CDH23 is a missense variant predicted to cause substitution of serine to arginine at amino acid 384. This variant is rare in the general population with a frequency below the threshold expected for the associated phenotype(s). This variant has been observed in one or more individuals affected with the associated recessive disease, as either homozygous or compound heterozygous with a second variant (PMID: 27460420, 34997822). Additionally, this variant has been observed to segregate in affected family members (PMID: 34997822). Computational prediction algorithms indicate this variant is likely to affect gene or protein function. Given the available evidence, this variant is classified as Likely Pathogenic.

Fulgent Genetics
Classification: Likely pathogenic for Usher syndrome type 1D; Autosomal recessive nonsyndromic hearing loss 12; Pituitary adenoma 5, multiple types. Last evaluated: 2024-04-30. Review status: criteria provided, single submitter. Criteria: ACMG Guidelines, 2015. Collection method: clinical testing. Allele origin: germline.

Blueprint Genetics
Classification: Pathogenic for CDH23-related disorders. Last evaluated: 2024-02-13. Review status: criteria provided, single submitter. Criteria: ACMG Guidelines, 2015. Collection method: clinical testing. Allele origin: germline. Affected: yes. Observed: 2 variant alleles.

Baylor Genetics
Classification: Likely pathogenic for Pituitary adenoma 5, multiple types. Last evaluated: 2023-11-20. Review status: criteria provided, single submitter. Criteria: ACMG Guidelines, 2015. Collection method: clinical testing. Allele origin: unknown.

Labcorp Genetics (formerly Invitae), Labcorp
Classification: Pathogenic. Last evaluated: 2023-11-17. Review status: criteria provided, single submitter. Criteria: Invitae Variant Classification Sherloc (09022015). Collection method: clinical testing. Allele origin: germline.
Comment: This sequence change replaces serine, which is neutral and polar, with arginine, which is basic and polar, at codon 384 of the CDH23 protein (p.Ser384Arg). This variant is not present in population databases (gnomAD no frequency). This missense change has been observed in individual(s) with deafness and/or Usher Syndrome (PMID: 27460420, 32279305, 34997822). It has also been observed to segregate with disease in related individuals. ClinVar contains an entry for this variant (Variation ID: 2501245). Advanced modeling of protein sequence and biophysical properties (such as structural, functional, and spatial information, amino acid conservation, physicochemical variation, residue mobility, and thermodynamic stability) performed at Invitae indicates that this missense variant is not expected to disrupt CDH23 protein function with a negative predictive value of 95%. For these reasons, this variant has been classified as Pathogenic.

Women's Health and Genetics/Laboratory Corporation of America, LabCorp
Classification: Pathogenic for Usher syndrome. Last evaluated: 2023-03-24. Review status: criteria provided, single submitter. Criteria: LabCorp Variant Classification Summary - May 2015. Collection method: clinical testing. Allele origin: germline.
Comment: Variant summary: CDH23 c.1152C>A (p.Ser384Arg) results in a non-conservative amino acid change in the encoded protein sequence, altering a highly conserved residue (HGMD). Four of five in-silico tools predict a damaging effect of the variant on protein function. The variant was absent in 248678 control chromosomes. c.1152C>A has been reported in the literature in multiple homozygous individuals affected with Usher Syndrome or related conditions, with evidence of cosegregation with disease within families (Agolini_2018, Bonnet_2016, Budde_2020, Said_2022). These data indicate that the variant is very likely to be associated with disease. No submitters have provided clinical-significance assessments for this variant to ClinVar after 2014. Based on the evidence outlined above, the variant was classified as pathogenic.

Mayo Clinic Laboratories, Mayo Clinic
Classification: Likely pathogenic. Last evaluated: 2023-02-09. Review status: criteria provided, single submitter. Criteria: ACMG Guidelines, 2015. Collection method: clinical testing. Allele origin: germline. Observed: 1 variant allele.
Comment: PP1_strong, PM2, PM3

Literature cited by the submitters: PubMed 27460420 (cited by 4 submitters); PubMed 34997822 (cited by 4 submitters); PubMed 32279305 (cited by 3 submitters); PubMed 28902392 (cited by Women's Health and Genetics/Laboratory Corporation of America, LabCorp and Mayo Clinic Laboratories, Mayo Clinic).